The following is an entry in ClinVar:

ClinVar aggregate classification (germline): Uncertain significance (1 of 4 stars; one submission).

Conditions:
Autosomal recessive ataxia, Beauce type. Also called: SYNE1-Related Autosomal Recessive Cerebellar Ataxia; Spinocerebellar ataxia, autosomal recessive 8; ATAXIA, RECESSIVE, OF BEAUCE; SYNE1 Deficiency. Identifiers: Orphanet 88644, MedGen C1853116, MONDO:0012549, OMIM 610743.
Emery-Dreifuss muscular dystrophy 4, autosomal dominant (EDMD4). Also called: EMERY-DREIFUSS MUSCULAR DYSTROPHY 4 WITH VARIABLE FEATURES. Identifiers: Orphanet 261, MedGen C2751807, MONDO:0013071, OMIM 612998.

gnomAD v4.1: 2 of 1,613,886 alleles (0.00012%); highest among the groups gnomAD compares: African/African-American, 0.0013%; no homozygotes.

Submission:

Labcorp Genetics (formerly Invitae), Labcorp
Classification: Uncertain significance for Emery-Dreifuss muscular dystrophy 4, autosomal dominant; Autosomal recessive ataxia, Beauce type. Last evaluated: 2025-05-11. Review status: criteria provided, single submitter. Criteria: Invitae Variant Classification Sherloc (09022015). Collection method: clinical testing. Allele origin: germline.
Comment: This sequence change affects codon 44 of the SYNE1 mRNA. It is a 'silent' change, meaning that it does not change the encoded amino acid sequence of the SYNE1 protein. It affects a nucleotide within the consensus splice site. This variant is not present in population databases (gnomAD no frequency). This variant has not been reported in the literature in individuals affected with SYNE1-related conditions. Algorithms developed to predict the effect of sequence changes on RNA splicing suggest that this variant is not likely to affect RNA splicing. In summary, the available evidence is currently insufficient to determine the role of this variant in disease. Therefore, it has been classified as a Variant of Uncertain Significance.

NM_182961.4(SYNE1):c.130C>A (p.Arg44=)

Gene: SYNE1 (spectrin repeat containing nuclear envelope protein 1; minus strand). Cytogenetic location: 6q25.2.
Variant type: single nucleotide variant.
Coding change: c.130C>A on transcript NM_182961.4 (MANE Select); coding-DNA position 130, C replaced by A.
Protein change: p.Arg44=; no amino-acid change (arginine 44 retained).
Molecular consequence: synonymous variant.
Genome position (GRCh38, 1-based): chr6:152,526,175, G>T on the plus strand (C>A on the coding strand, the complement: SYNE1 is on the minus strand). VCF-style: chr6-152526175-G-T. GRCh37 (hg19) VCF-style: chr6-152847310-G-T.
Other names: c.130C>A, p.Arg44= (NM_033071.5).
Identifiers: ClinVar variation 4789828 (VCV004789828.1).